The following is an entry in ClinVar:

ClinVar aggregate classification (germline): Uncertain significance (1 of 4 stars; one submission).

Allele frequency attached by ClinVar (database versions not stated): TOPMed below 0.00001; gnomAD 0.00001.
gnomAD v4.1: 4 of 1,614,066 alleles (0.00025%); highest among the groups gnomAD compares: Non-Finnish European, 0.00034%; no homozygotes.

Submission:

Labcorp Genetics (formerly Invitae), Labcorp
Classification: Uncertain significance. Last evaluated: 2025-09-02. Review status: criteria provided, single submitter. Criteria: Invitae Variant Classification Sherloc (09022015). Collection method: clinical testing. Allele origin: germline.
Comment: This sequence change replaces cysteine, which is neutral and slightly polar, with arginine, which is basic and polar, at codon 705 of the TNNI3K protein (p.Cys705Arg). This variant is not present in population databases (gnomAD no frequency). This variant has not been reported in the literature in individuals affected with TNNI3K-related conditions. ClinVar contains an entry for this variant (Variation ID: 1944395). An algorithm developed to predict the effect of missense changes on protein structure and function (PolyPhen-2) suggests that this variant is likely to be tolerated. In summary, the available evidence is currently insufficient to determine the role of this variant in disease. Therefore, it has been classified as a Variant of Uncertain Significance.

NM_015978.3(TNNI3K):c.2113T>C (p.Cys705Arg)

Genes: FPGT-TNNI3K (FPGT-TNNI3K readthrough; plus strand), TNNI3K (TNNI3 interacting kinase; plus strand). Cytogenetic location: 1p31.1.
Variant type: single nucleotide variant.
Coding change: c.2113T>C on transcript NM_015978.3 (MANE Select); coding-DNA position 2113, T replaced by C.
Protein change: p.Cys705Arg; replaces cysteine 705 with arginine.
Molecular consequence: missense variant.
Genome position (GRCh38, 1-based): chr1:74,463,542, T>C. VCF-style: chr1-74463542-T-C. GRCh37 (hg19) VCF-style: chr1-74929226-T-C.
Other names: c.2416T>C, p.Cys806Arg (NM_001112808.3, NM_001199327.2); short protein forms C806R, C705R.
Identifiers: ClinVar variation 1944395 (VCV001944395.5), dbSNP rs1158952051, ClinGen allele CA340787609.
Genomic context (GRCh38, chr1:74,463,542, plus strand): 5'-CCCATTGGCTATTCCATTCCCAAGCCCATATCATCTCTGCTGATACGAGGGTGGAACGCA[T>C]GTCCTGAAGTGAGTAATTTTTATTTCCTCTTAGAAAATGTGTTATGGTCAAAATCTGTCA-3'
Protein context (NP_057062.1, residues 695-715): SSLLIRGWNA[Cys705Arg]PEGRPEFSEV